The following is an entry in ClinVar:

NM_152419.3(HGSNAT):c.316C>T (p.Gln106Ter)

Gene: HGSNAT (heparan-alpha-glucosaminide N-acetyltransferase; plus strand). Cytogenetic location: 8p11.21.
Variant type: single nucleotide variant.
Coding change: c.316C>T on transcript NM_152419.3 (MANE Select); coding-DNA position 316, C replaced by T.
Protein change: p.Gln106Ter; replaces glutamine 106 with a stop codon.
Molecular consequence: nonsense. On other transcripts: 5 prime UTR variant (1).
Genome position (GRCh38, 1-based): chr8:43,158,656, C>T. VCF-style: chr8-43158656-C-T. GRCh37 (hg19) VCF-style: chr8-43013799-C-T.
Other names: c.316C>T, p.Gln106Ter (NM_001363227.2, NM_001363228.2); c.-518C>T (NM_001363229.2); short protein forms Q106*.
Identifiers: ClinVar variation 4985981 (VCV004985981.1).

ClinVar aggregate classification (germline): Likely pathogenic (1 of 4 stars; one submission).

Conditions:
HGSNAT-related disorder. Also called: HGSNAT-related condition.

Submission:

PreventionGenetics, part of Exact Sciences
Classification: Likely pathogenic for HGSNAT-related condition. Last evaluated: 2025-06-10. Review status: criteria provided, single submitter. Criteria: ACMG Guidelines, 2015. Collection method: clinical testing. Allele origin: germline.
Comment: The HGSNAT c.316C>T variant is predicted to result in premature protein termination (p.Gln106*). To our knowledge, this variant has not been reported in the literature or in a large population database (gnomAD), indicating this variant is rare. Nonsense variants in HGSNAT are expected to be pathogenic. This variant is interpreted as likely pathogenic.